The following is an entry in ClinVar:

ClinVar aggregate classification (germline): Benign. Review status: criteria provided, multiple submitters, no conflicts (2 of 4 stars). 11 submissions from 11 submitters: Benign (8). 3 of the submissions do not count toward it. Last evaluated 2026-02-04.

Conditions:
Donnai-Barrow syndrome. Also called: FACIOOCULOACOUSTICORENAL SYNDROME; DBS/FOAR SYNDROME. Identifiers: Orphanet 2143, MedGen C1857277, MONDO:0009104, OMIM 222448.

Allele frequency attached by ClinVar (database versions not stated): 1000 Genomes Project 30x 0.60415; 1000 Genomes Project 0.60962; TOPMed 0.61062; gnomAD 0.61350 and 0.61366; ESP Exome Variant Server 0.61502; ExAC 0.62454; gnomAD exomes 0.62778.
gnomAD v4.1: 1,043,351 of 1,613,364 alleles (65%); highest among the groups gnomAD compares: East Asian, 86%; 341,782 homozygotes.

Submissions (11):

Labcorp Genetics (formerly Invitae), Labcorp
Classification: Benign. Last evaluated: 2026-02-04. Review status: criteria provided, single submitter. Criteria: Invitae Variant Classification Sherloc (09022015). Collection method: clinical testing. Allele origin: germline.

Blueprint Genetics
Classification: Benign. Last evaluated: 2024-11-26. Review status: criteria provided, single submitter. Criteria: ACMG Guidelines, 2015. Collection method: clinical testing. Allele origin: germline.

Mayo Clinic Laboratories, Mayo Clinic
Classification: Benign. Last evaluated: 2022-11-10. Review status: criteria provided, single submitter. Criteria: ACMG Guidelines, 2015. Collection method: clinical testing. Allele origin: germline. Observed: 109 variant alleles.

Genome-Nilou Lab
Classification: Benign for Donnai-Barrow syndrome. Last evaluated: 2021-08-19. Review status: criteria provided, single submitter. Criteria: ACMG Guidelines, 2015. Collection method: clinical testing. Allele origin: germline. Affected: no.

Illumina Laboratory Services, Illumina
Classification: Benign for Donnai-Barrow syndrome. Last evaluated: 2018-01-12. Review status: criteria provided, single submitter. Criteria: ICSL Variant Classification Criteria 13 December 2019. Collection method: clinical testing. Allele origin: germline.
Comment: This variant was observed in the ICSL laboratory as part of a predisposition screen in an ostensibly healthy population. It had not been previously curated by ICSL or reported in the Human Gene Mutation Database (HGMD: prior to June 1st, 2018), and was therefore a candidate for classification through an automated scoring system. Utilizing variant allele frequency, disease prevalence and penetrance estimates, and inheritance mode, an automated score was calculated to assess if this variant is too frequent to cause the disease. Based on the score and internal cut-off values, a variant classified as benign is not then subjected to further curation. The score for this variant resulted in a classification of benign for this disease.

GeneDx
Classification: Benign. Last evaluated: 2015-03-03. Review status: criteria provided, single submitter. Criteria: GeneDx Variant Classification Process June 2021. Collection method: clinical testing. Allele origin: germline. Affected: yes.

Breakthrough Genomics
Classification: Benign. Review status: criteria provided, single submitter. Criteria: ACMG Guidelines, 2015. Collection method: not provided. Allele origin: germline. Inheritance: Autosomal recessive inheritance. Affected: yes.

PreventionGenetics, part of Exact Sciences
Classification: Benign. Review status: criteria provided, single submitter. Criteria: ACMG Guidelines, 2015. Collection method: clinical testing. Allele origin: germline.

Diagnostic Laboratory, Department of Genetics, University Medical Center Groningen
Classification: Benign. Review status: no assertion criteria provided. Collection method: clinical testing. Allele origin: germline. Affected: yes. Study: VKGL Data-share Consensus. Not counted in ClinVar's aggregate classification.

Genetic Services Laboratory, University of Chicago
Classification: Likely benign for AllHighlyPenetrant. Review status: no assertion criteria provided. Collection method: clinical testing. Allele origin: germline. Inheritance: Autosomal recessive inheritance. Not counted in ClinVar's aggregate classification.
Comment: Likely benign based on allele frequency in 1000 Genomes Project or ESP global frequency and its presence in a patient with a rare or unrelated disease phenotype. NOT Sanger confirmed.

Joint Genome Diagnostic Labs from Nijmegen and Maastricht, Radboudumc and MUMC+
Classification: Benign. Review status: no assertion criteria provided. Collection method: clinical testing. Allele origin: germline. Affected: yes. Study: VKGL Data-share Consensus. Not counted in ClinVar's aggregate classification.

NM_004525.3(LRP2):c.2025C>T (p.Val675=)

Gene: LRP2 (LDL receptor related protein 2; minus strand). Cytogenetic location: 2q31.1.
Variant type: single nucleotide variant.
Coding change: c.2025C>T on transcript NM_004525.3 (MANE Select); coding-DNA position 2025, C replaced by T.
Protein change: p.Val675=; no amino-acid change (valine 675 retained).
Molecular consequence: synonymous variant.
Genome position (GRCh38, 1-based): chr2:169,273,018, G>A on the plus strand (C>T on the coding strand, the complement: LRP2 is on the minus strand). VCF-style: chr2-169273018-G-A. GRCh37 (hg19) VCF-style: chr2-170129528-G-A.
Other names: p.Val675=.
Identifiers: ClinVar variation 129507 (VCV000129507.30), dbSNP rs830994, ClinGen allele CA153562.
Genomic context (GRCh38, chr2:169,273,018, plus strand): 5'-GAAGCCGAATGTGCACTTGCAACGGAAACCCAAACCATCATTATCTGTTCTGTGGCTGAG[G>A]ACACAGACCTGCTCACAGCCCCCATTGTTATCTTTACACGGATTGGTAGCTGGAAGGAAA-3'
Protein context (NP_004516.2, residues 665-685): DNNGGCEQVC[Val675=]LSHRTDNDGL